The following is an entry in ClinVar:

NM_000423.3(KRT2):c.*335A>G

Gene: KRT2 (keratin 2; minus strand). Cytogenetic location: 12q13.13.
Variant type: single nucleotide variant.
Coding change: c.*335A>G on transcript NM_000423.3 (MANE Select); 335 bases downstream of the stop codon, A replaced by G.
Molecular consequence: 3 prime UTR variant.
Genome position (GRCh38, 1-based): chr12:52,644,684, T>C on the plus strand (A>G on the coding strand, the complement: KRT2 is on the minus strand). VCF-style: chr12-52644684-T-C. GRCh37 (hg19) VCF-style: chr12-53038468-T-C.
Identifiers: ClinVar variation 309585 (VCV000309585.5), dbSNP rs141659798, ClinGen allele CA10641884.

ClinVar aggregate classification (germline): Benign (1 of 4 stars; one submission).

Conditions:
Ichthyosis bullosa of Siemens (IBS). Also called: Superficial epidermolytic ichthyosis. Identifiers: Orphanet 455, MedGen C0432306, MONDO:0007813, OMIM 146800.

Allele frequency attached by ClinVar (database versions not stated): gnomAD exomes 0.00117; gnomAD 0.00884 and 0.00961; 1000 Genomes Project 0.00938; TOPMed 0.00945; 1000 Genomes Project 30x 0.00968.

Submission:

Illumina Laboratory Services, Illumina
Classification: Benign for Ichthyosis bullosa of Siemens. Last evaluated: 2018-01-12. Review status: criteria provided, single submitter. Criteria: ICSL Variant Classification Criteria 13 December 2019. Collection method: clinical testing. Allele origin: germline.
Comment: This variant was observed in the ICSL laboratory as part of a predisposition screen in an ostensibly healthy population. It had not been previously curated by ICSL or reported in the Human Gene Mutation Database (HGMD: prior to June 1st, 2018), and was therefore a candidate for classification through an automated scoring system. Utilizing variant allele frequency, disease prevalence and penetrance estimates, and inheritance mode, an automated score was calculated to assess if this variant is too frequent to cause the disease. Based on the score and internal cut-off values, a variant classified as benign is not then subjected to further curation. The score for this variant resulted in a classification of benign for this disease.